The following is an entry in ClinVar:

NM_024652.6(LRRK1):c.5983G>A (p.Asp1995Asn)

Genes: LRRK1 (leucine rich repeat kinase 1; plus strand), LRRK1-AS1 (LRRK1 antisense RNA 1; minus strand). Cytogenetic location: 15q26.3.
Variant type: single nucleotide variant.
Coding change: c.5983G>A on transcript NM_024652.6 (MANE Select); coding-DNA position 5983, G replaced by A.
Protein change: p.Asp1995Asn; replaces aspartic acid 1995 with asparagine.
Molecular consequence: missense variant.
Genome position (GRCh38, 1-based): chr15:101,068,783, G>A. VCF-style: chr15-101068783-G-A. GRCh37 (hg19) VCF-style: chr15-101608988-G-A.
Other names: c.5983G>A (NM_024652.4); short protein forms D1995N.
Identifiers: ClinVar variation 2210285 (VCV002210285.5), dbSNP rs748618009, ClinGen allele CA7762319.

ClinVar aggregate classification (germline): Uncertain significance. Review status: criteria provided, multiple submitters, no conflicts (2 of 4 stars). 3 submissions from 3 submitters: Uncertain significance (2). 1 of the submissions does not count toward it. Last evaluated 2025-11-03.

Conditions:
LRRK1-related disorder. Also called: LRRK1-related condition.
Inborn genetic diseases. Identifiers: MedGen C0950123, MeSH D030342.

gnomAD v4.1: 84 of 1,613,398 alleles (0.0052%); highest among the groups gnomAD compares: Non-Finnish European, 0.007%; no homozygotes.

Submissions (3):

Ambry Genetics
Classification: Uncertain significance for Inborn genetic diseases. Last evaluated: 2025-11-03. Review status: criteria provided, single submitter. Criteria: Ambry Variant Classification Scheme 2023. Collection method: clinical testing. Allele origin: germline.

GeneDx
Classification: Uncertain significance. Last evaluated: 2024-05-13. Review status: criteria provided, single submitter. Criteria: GeneDx Variant Classification Process June 2021. Collection method: clinical testing. Allele origin: germline. Affected: yes.
Comment: In silico analysis indicates that this missense variant does not alter protein structure/function; Has not been previously published as pathogenic or benign to our knowledge; Variants in candidate genes are classified as variants of uncertain significance in accordance with ACMG guidelines (PMID: 25741868)

PreventionGenetics, part of Exact Sciences
Classification: Uncertain significance for LRRK1-related condition. Last evaluated: 2024-03-05. Review status: no assertion criteria provided. Collection method: clinical testing. Allele origin: germline. Not counted in ClinVar's aggregate classification.
Comment: The LRRK1 c.5983G>A variant is predicted to result in the amino acid substitution p.Asp1995Asn. To our knowledge, this variant has not been reported in the literature. This variant is reported in 0.0054% of alleles in individuals of European (Non-Finnish) descent in gnomAD. At this time, the clinical significance of this variant is uncertain due to the absence of conclusive functional and genetic evidence.